The following is an entry in ClinVar:

NM_001854.4(COL11A1):c.4249G>A (p.Gly1417Arg)

Gene: COL11A1 (collagen type XI alpha 1 chain; minus strand). Cytogenetic location: 1p21.1.
Variant type: single nucleotide variant.
Coding change: c.4249G>A on transcript NM_001854.4 (MANE Select); coding-DNA position 4249, G replaced by A.
Protein change: p.Gly1417Arg; replaces glycine 1417 with arginine.
Molecular consequence: missense variant. On other transcripts: non-coding transcript variant (1).
Genome position (GRCh38, 1-based): chr1:102,898,178, C>T on the plus strand (G>A on the coding strand, the complement: COL11A1 is on the minus strand). VCF-style: chr1-102898178-C-T. GRCh37 (hg19) VCF-style: chr1-103363734-C-T.
Other names: c.4132G>A, p.Gly1378Arg (NM_001190709.2); c.4285G>A, p.Gly1429Arg (NM_080629.3); c.3901G>A, p.Gly1301Arg (NM_080630.4); short protein forms G1301R, G1378R, G1417R, G1429R.
Identifiers: ClinVar variation 1053953 (VCV001053953.11), dbSNP rs752921387, ClinGen allele CA973617.
Genomic context (GRCh38, chr1:102,898,178, plus strand): 5'-TACTCACCATAGGACCAGGTGGTCCATCTTGGCCTGCAGCTCCAGGGAGACCTTGTTCTC[C>T]CTAGAGAAAATAAAAATGATTGATTTTTAAAATTAATAAAATAATACATATTTATTTATT-3'
Protein context (NP_001845.3, residues 1407-1427): EGLRGIPGPV[Gly1417Arg]EQGLPGAAGQ

ClinVar aggregate classification (germline): Uncertain significance. Review status: criteria provided, multiple submitters, no conflicts (2 of 4 stars). 3 submissions from 3 submitters: Uncertain significance (3). Last evaluated 2024-11-10.

Conditions:
Inborn genetic diseases. Identifiers: MedGen C0950123, MeSH D030342.

Allele frequency attached by ClinVar (database versions not stated): gnomAD exomes 0.00001 and 0.00002; ExAC 0.00002; gnomAD 0.00002; TOPMed 0.00006.
gnomAD v4.1: 9 of 1,355,652 alleles (0.00066%); highest among the groups gnomAD compares: Admixed American, 0.013%; no homozygotes.

Submissions (3):

Ambry Genetics
Classification: Uncertain significance for Inborn genetic diseases. Last evaluated: 2024-11-10. Review status: criteria provided, single submitter. Criteria: Ambry Variant Classification Scheme 2023. Collection method: clinical testing. Allele origin: germline.

Labcorp Genetics (formerly Invitae), Labcorp
Classification: Uncertain significance. Last evaluated: 2022-09-07. Review status: criteria provided, single submitter. Criteria: Invitae Variant Classification Sherloc (09022015). Collection method: clinical testing. Allele origin: germline.
Comment: This sequence change replaces glycine, which is neutral and non-polar, with arginine, which is basic and polar, at codon 1417 of the COL11A1 protein (p.Gly1417Arg). In summary, the available evidence is currently insufficient to determine the role of this variant in disease. Therefore, it has been classified as a Variant of Uncertain Significance. Algorithms developed to predict the effect of sequence changes on RNA splicing suggest that this variant may disrupt the consensus splice site. Algorithms developed to predict the effect of missense changes on protein structure and function are either unavailable or do not agree on the potential impact of this missense change (SIFT: "Deleterious"; PolyPhen-2: "Not Available"; Align-GVGD: "Class C65"). ClinVar contains an entry for this variant (Variation ID: 1053953). This variant has not been reported in the literature in individuals affected with COL11A1-related conditions. This variant is present in population databases (rs752921387, gnomAD 0.008%).

GeneDx
Classification: Uncertain significance. Last evaluated: 2021-10-04. Review status: criteria provided, single submitter. Criteria: GeneDx Variant Classification Process June 2021. Collection method: clinical testing. Allele origin: germline. Affected: yes.
Comment: Has not been previously published as pathogenic or benign to our knowledge; In silico analysis supports that this missense variant has a deleterious effect on protein structure/function; This variant is associated with the following publications: (PMID: 25240749)